The following is an entry in ClinVar:

NM_030928.4(CDT1):c.184G>A (p.Ala62Thr)

Gene: CDT1 (chromatin licensing and DNA replication factor 1; plus strand). Cytogenetic location: 16q24.3.
Variant type: single nucleotide variant.
Coding change: c.184G>A on transcript NM_030928.4 (MANE Select); coding-DNA position 184, G replaced by A.
Protein change: p.Ala62Thr; replaces alanine 62 with threonine.
Molecular consequence: missense variant.
Genome position (GRCh38, 1-based): chr16:88,804,015, G>A. VCF-style: chr16-88804015-G-A. GRCh37 (hg19) VCF-style: chr16-88870423-G-A.
Other names: short protein forms A62T.
Identifiers: ClinVar variation 1358177 (VCV001358177.6), dbSNP rs1908750451, ClinGen allele CA397070549.

ClinVar aggregate classification (germline): Uncertain significance (1 of 4 stars; one submission).

Allele frequency attached by ClinVar (database versions not stated): TOPMed below 0.00001.

Submission:

Labcorp Genetics (formerly Invitae), Labcorp
Classification: Uncertain significance. Last evaluated: 2022-08-16. Review status: criteria provided, single submitter. Criteria: Invitae Variant Classification Sherloc (09022015). Collection method: clinical testing. Allele origin: germline.
Comment: This sequence change replaces alanine, which is neutral and non-polar, with threonine, which is neutral and polar, at codon 62 of the CDT1 protein (p.Ala62Thr). This variant is not present in population databases (gnomAD no frequency). This variant has not been reported in the literature in individuals affected with CDT1-related conditions. ClinVar contains an entry for this variant (Variation ID: 1358177). Algorithms developed to predict the effect of missense changes on protein structure and function (SIFT, PolyPhen-2, Align-GVGD) all suggest that this variant is likely to be tolerated. In summary, the available evidence is currently insufficient to determine the role of this variant in disease. Therefore, it has been classified as a Variant of Uncertain Significance.